The following is an entry in ClinVar:

NM_001384140.1(PCDH15):c.3161T>C (p.Met1054Thr)

Gene: PCDH15 (protocadherin related 15; minus strand). Cytogenetic location: 10q21.1.
Variant type: single nucleotide variant.
Coding change: c.3161T>C on transcript NM_001384140.1 (MANE Select); coding-DNA position 3161, T replaced by C.
Protein change: p.Met1054Thr; replaces methionine 1054 with threonine.
Molecular consequence: missense variant.
Genome position (GRCh38, 1-based): chr10:53,940,937, A>G on the plus strand (T>C on the coding strand, the complement: PCDH15 is on the minus strand). VCF-style: chr10-53940937-A-G. GRCh37 (hg19) VCF-style: chr10-55700697-A-G.
Other names: c.3176T>C, p.Met1059Thr (NM_001142763.2, NM_001142771.2); c.3161T>C, p.Met1054Thr (NM_001142764.2, NM_001142766.2, NM_001142770.3 and 4 more transcripts); c.2948T>C, p.Met983Thr (NM_001142765.2); c.3050T>C, p.Met1017Thr (NM_001142767.2); c.3095T>C, p.Met1032Thr (NM_001142768.2, NM_001142773.2, NM_001354404.2); c.3197T>C, p.Met1066Thr (NM_001142769.4); c.3182T>C, p.Met1061Thr (NM_001354411.2); short protein forms M1017T, M1032T, M1059T, M1054T, M1061T, M983T, M1066T.
Identifiers: ClinVar variation 1378764 (VCV001378764.6), dbSNP rs2134073743, ClinGen allele CA376517685.

ClinVar aggregate classification (germline): Uncertain significance (1 of 4 stars; one submission).

Submission:

Labcorp Genetics (formerly Invitae), Labcorp
Classification: Uncertain significance. Last evaluated: 2022-07-12. Review status: criteria provided, single submitter. Criteria: Invitae Variant Classification Sherloc (09022015). Collection method: clinical testing. Allele origin: germline.
Comment: ClinVar contains an entry for this variant (Variation ID: 1378764). This variant has not been reported in the literature in individuals affected with PCDH15-related conditions. This variant is not present in population databases (gnomAD no frequency). This sequence change replaces methionine, which is neutral and non-polar, with threonine, which is neutral and polar, at codon 1054 of the PCDH15 protein (p.Met1054Thr). In summary, the available evidence is currently insufficient to determine the role of this variant in disease. Therefore, it has been classified as a Variant of Uncertain Significance. Algorithms developed to predict the effect of missense changes on protein structure and function output the following: SIFT: "Tolerated"; PolyPhen-2: "Benign"; Align-GVGD: "Class C0". The threonine amino acid residue is found in multiple mammalian species, which suggests that this missense change does not adversely affect protein function.